The following is an entry in ClinVar:

ClinVar aggregate classification (germline): Benign (1 of 4 stars; one submission).

Allele frequency attached by ClinVar (database versions not stated): ESP Exome Variant Server 0.08473; gnomAD 0.09222 and 0.09275; TOPMed 0.09934; 1000 Genomes Project 0.10363; 1000 Genomes Project 30x 0.10743.
gnomAD v4.1: 134,201 of 1,602,362 alleles (8.4%); highest among the groups gnomAD compares: Admixed American, 22%; 6,698 homozygotes.

Submission:

GeneDx
Classification: Benign. Last evaluated: 2020-04-29. Review status: criteria provided, single submitter. Criteria: GeneDx Variant Classification Process June 2021. Collection method: clinical testing. Allele origin: germline. Affected: yes.
Comment: This variant is associated with the following publications: (PMID: 31724192)

NM_002511.4(NMBR):c.1168C>A (p.Leu390Met)

Gene: NMBR (neuromedin B receptor; minus strand). Cytogenetic location: 6q24.1.
Variant type: single nucleotide variant.
Coding change: c.1168C>A on transcript NM_002511.4 (MANE Select); coding-DNA position 1168, C replaced by A.
Protein change: p.Leu390Met; replaces leucine 390 with methionine.
Molecular consequence: missense variant.
Genome position (GRCh38, 1-based): chr6:142,075,653, G>T on the plus strand (C>A on the coding strand, the complement: NMBR is on the minus strand). VCF-style: chr6-142075653-G-T. GRCh37 (hg19) VCF-style: chr6-142396790-G-T.
Other names: c.724C>A, p.Leu242Met (NM_001324307.2, NM_001324308.2); short protein forms L242M, L390M.
Identifiers: ClinVar variation 1252678 (VCV001252678.2), dbSNP rs7453944, ClinGen allele CA4025793.